The following is an entry in ClinVar:

ClinVar aggregate classification (germline): Benign/Likely benign. Review status: criteria provided, multiple submitters, no conflicts (2 of 4 stars). 4 submissions from 4 submitters: Benign (3); Likely benign (1). Last evaluated 2026-01-19.

Conditions:
Autosomal recessive ataxia, Beauce type. Also called: Spinocerebellar ataxia, autosomal recessive 8; ATAXIA, RECESSIVE, OF BEAUCE; SYNE1-Related Autosomal Recessive Cerebellar Ataxia; SYNE1 Deficiency. Identifiers: Orphanet 88644, MedGen C1853116, MONDO:0012549, OMIM 610743.
Emery-Dreifuss muscular dystrophy 4, autosomal dominant (EDMD4). Also called: EMERY-DREIFUSS MUSCULAR DYSTROPHY 4 WITH VARIABLE FEATURES. Identifiers: Orphanet 261, MedGen C2751807, MONDO:0013071, OMIM 612998.

Allele frequency attached by ClinVar (database versions not stated): gnomAD exomes 0.00059 and 0.00164; ExAC 0.00200; 1000 Genomes Project 30x 0.00578; 1000 Genomes Project 0.00579; gnomAD 0.00608 and 0.00654; TOPMed 0.00691; ESP Exome Variant Server 0.00807.
gnomAD v4.1: 1,840 of 1,614,162 alleles (0.11%); highest among the groups gnomAD compares: African/African-American, 2.2%; 15 homozygotes.

Submissions (4):

Labcorp Genetics (formerly Invitae), Labcorp
Classification: Benign for Emery-Dreifuss muscular dystrophy 4, autosomal dominant; Autosomal recessive ataxia, Beauce type. Last evaluated: 2026-01-19. Review status: criteria provided, single submitter. Criteria: Invitae Variant Classification Sherloc (09022015). Collection method: clinical testing. Allele origin: germline.

Blueprint Genetics
Classification: Likely benign. Last evaluated: 2024-09-02. Review status: criteria provided, single submitter. Criteria: ACMG Guidelines, 2015. Collection method: clinical testing. Allele origin: germline.

GeneDx
Classification: Benign. Last evaluated: 2017-03-07. Review status: criteria provided, single submitter. Criteria: GeneDx Variant Classification (06012015). Collection method: clinical testing. Allele origin: germline. Affected: yes.
Comment: This variant is considered likely benign or benign based on one or more of the following criteria: it is a conservative change, it occurs at a poorly conserved position in the protein, it is predicted to be benign by multiple in silico algorithms, and/or has population frequency not consistent with disease.

PreventionGenetics, part of Exact Sciences
Classification: Benign. Review status: criteria provided, single submitter. Criteria: ACMG Guidelines, 2015. Collection method: clinical testing. Allele origin: germline.

NM_182961.4(SYNE1):c.9972+19A>G

Gene: SYNE1 (spectrin repeat containing nuclear envelope protein 1; minus strand). Cytogenetic location: 6q25.2.
Variant type: single nucleotide variant.
Coding change: c.9972+19A>G on transcript NM_182961.4 (MANE Select); 19 bases into the intron after coding-DNA position 9972, A replaced by G.
Molecular consequence: intron variant.
Genome position (GRCh38, 1-based): chr6:152,367,199, T>C on the plus strand (A>G on the coding strand, the complement: SYNE1 is on the minus strand). VCF-style: chr6-152367199-T-C. GRCh37 (hg19) VCF-style: chr6-152688334-T-C.
Other names: c.9993+19A>G (NM_033071.5).
Identifiers: ClinVar variation 262207 (VCV000262207.10), dbSNP rs77322999, ClinGen allele CA4057147.
Genomic context (GRCh38, chr6:152,367,199, plus strand): 5'-CCCCAGGTGGATGGAGACGGGAAATTTTGAGAAAAACAAATTCTGTAGGTTGGAGATATT[T>C]CTGTGTAAAGATGCACACCTCGAGCTTGAGCGTCCTGCTGTCCAGCACACTTTTGTCGGA-3'